The following is an entry in ClinVar:

NM_004360.5(CDH1):c.2164+1G>C

Gene: CDH1 (cadherin 1; plus strand). Cytogenetic location: 16q22.1.
Variant type: single nucleotide variant.
Coding change: c.2164+1G>C on transcript NM_004360.5 (MANE Select); the canonical splice donor site of the intron after coding-DNA position 2164, G replaced by C.
Molecular consequence: splice donor variant.
Genome position (GRCh38, 1-based): chr16:68,823,627, G>C. VCF-style: chr16-68823627-G-C. GRCh37 (hg19) VCF-style: chr16-68857530-G-C.
Other names: c.616+1G>C (NM_001317185.2); c.199+1G>C (NM_001317186.2); c.1981+1G>C (NM_001317184.2).
Identifiers: ClinVar variation 941947 (VCV000941947.10), dbSNP rs1961238458, ClinGen allele CA396467975.

ClinVar aggregate classification (germline): Likely pathogenic. Review status: criteria provided, multiple submitters, no conflicts (2 of 4 stars). 2 submissions from 2 submitters: Likely pathogenic (2). Last evaluated 2025-07-21.

Conditions:
Hereditary diffuse gastric adenocarcinoma (HDGC). Also called: DIFFUSE GASTRIC AND LOBULAR BREAST CANCER SYNDROME. Identifiers: Orphanet 26106, MedGen C1708349, MONDO:0007648, OMIM 137215.

Submissions (2):

Labcorp Genetics (formerly Invitae), Labcorp
Classification: Likely pathogenic for Hereditary diffuse gastric adenocarcinoma. Last evaluated: 2025-07-21. Review status: criteria provided, single submitter. Criteria: Invitae Variant Classification Sherloc (09022015). Collection method: clinical testing. Allele origin: germline.
Comment: This sequence change affects a donor splice site in intron 13 of the CDH1 gene. It is expected to disrupt RNA splicing. Variants that disrupt the donor or acceptor splice site typically lead to a loss of protein function (PMID: 16199547), and loss-of-function variants in CDH1 are known to be pathogenic (PMID: 15235021, 20373070). This variant is not present in population databases (gnomAD no frequency). Disruption of this splice site has been observed in individual(s) with lobular breast cancer (PMID: 23709761). ClinVar contains an entry for this variant (Variation ID: 941947). Algorithms developed to predict the effect of sequence changes on RNA splicing suggest that this variant may disrupt the consensus splice site. In summary, the currently available evidence indicates that the variant is pathogenic, but additional data are needed to prove that conclusively. Therefore, this variant has been classified as Likely Pathogenic.

Myriad Genetics, Inc.
Classification: Likely pathogenic for Hereditary diffuse gastric adenocarcinoma. Last evaluated: 2023-06-15. Review status: criteria provided, single submitter. Criteria: Myriad Autosomal Dominant, Autosomal Recessive and X-Linked Classification Criteria (2023). Collection method: clinical testing. Allele origin: unknown.
Comment: This variant is considered likely pathogenic. This variant occurs within a consensus splice junction and is predicted to result in abnormal mRNA splicing of either an out-of-frame exon or an in-frame exon necessary for protein stability and/or normal function.

Literature cited by the submitters: PubMed 16199547 (cited by Labcorp Genetics (formerly Invitae), Labcorp); PubMed 15235021 (cited by Labcorp Genetics (formerly Invitae), Labcorp); PubMed 20373070 (cited by Labcorp Genetics (formerly Invitae), Labcorp); PubMed 23709761 (cited by Labcorp Genetics (formerly Invitae), Labcorp).